The following is an entry in ClinVar:

NM_020719.3(PRR12):c.3240G>A (p.Leu1080=)

Gene: PRR12 (proline rich 12; plus strand). Cytogenetic location: 19q13.33.
Variant type: single nucleotide variant.
Coding change: c.3240G>A on transcript NM_020719.3 (MANE Select); coding-DNA position 3240, G replaced by A.
Protein change: p.Leu1080=; no amino-acid change (leucine 1080 retained).
Molecular consequence: synonymous variant.
Genome position (GRCh38, 1-based): chr19:49,597,575, G>A. VCF-style: chr19-49597575-G-A. GRCh37 (hg19) VCF-style: chr19-50100832-G-A.
Identifiers: ClinVar variation 724618 (VCV000724618.24), dbSNP rs768682542, ClinGen allele CA9578254.

ClinVar aggregate classification (germline): Benign/Likely benign. Review status: criteria provided, multiple submitters, no conflicts (2 of 4 stars). 3 submissions from 3 submitters: Benign (2); Likely benign (1). Last evaluated 2024-05-01.

Allele frequency attached by ClinVar (database versions not stated): TOPMed 0.00008; gnomAD exomes 0.00026; ExAC 0.00047.
gnomAD v4.1: 241 of 1,603,208 alleles (0.015%); highest among the groups gnomAD compares: Middle Eastern, 0.31%; 4 homozygotes.

Submissions (3):

CeGaT Center for Human Genetics Tuebingen
Classification: Likely benign. Last evaluated: 2024-05-01. Review status: criteria provided, single submitter. Criteria: CeGaT Center For Human Genetics Tuebingen Variant Classification Criteria Version 2. Collection method: clinical testing. Allele origin: germline. Affected: yes. Observed: 1 variant allele.
Comment: PRR12: BP4, BP7

Labcorp Genetics (formerly Invitae), Labcorp
Classification: Benign. Last evaluated: 2019-12-31. Review status: criteria provided, single submitter. Criteria: Invitae Variant Classification Sherloc (09022015). Collection method: clinical testing. Allele origin: germline.

Breakthrough Genomics
Classification: Benign. Review status: criteria provided, single submitter. Criteria: ACMG Guidelines, 2015. Collection method: not provided. Allele origin: germline. Inheritance: Autosomal dominant inheritance. Affected: yes.